The following is an entry in ClinVar:

NC_000023.11:g.(?_38352331)_(38352793_?)del

Gene: OTC (ornithine transcarbamylase; plus strand). Cytogenetic location: Xp11.4.
Variant type: Deletion.
Identifiers: ClinVar variation 830543 (VCV000830543.1).

ClinVar aggregate classification (germline): Pathogenic (1 of 4 stars; one submission).

Conditions:
Ornithine carbamoyltransferase deficiency (OTCD). Also called: Ornithine Carbamoyltransferase Deficiency Disease; ORNITHINE TRANSCARBAMYLASE DEFICIENCY, HYPERAMMONEMIA DUE TO; ORNITHINE TRANSCARBAMYLASE DEFICIENCY; OTC DEFICIENCY. Identifiers: Orphanet 664, MedGen C0268542, MONDO:0010703, OMIM 311250.

Submission:

Labcorp Genetics (formerly Invitae), Labcorp
Classification: Pathogenic for Ornithine carbamoyltransferase deficiency. Last evaluated: 2019-08-15. Review status: criteria provided, single submitter. Criteria: Invitae Variant Classification Sherloc (09022015). Collection method: clinical testing. Allele origin: germline.
Comment: This variant is a gross deletion of the genomic region encompassing exon 1 of the OTC gene, which includes the initiator codon. The 5' end of this event is unknown as it extends beyond the assayed region for this gene and therefore may encompass additional genes. The 3' boundary is likely confined to intron 1 of the OTC gene. This is expected to result in an absent or disrupted protein product. A similar deletion of exon 1 of the OTC gene has been reported in a family affected with ornithine transcarbamylase (OTC) deficiency; however, the deletion identified in this family also included the RPGR gene, which is associated with retinitis pigmentosa (PMID: 20817516). Loss-of-function variants in OTC are known to be pathogenic (PMID: 10946359, 16786505). For these reasons, this variant has been classified as Pathogenic.

Literature cited by the submitters: PubMed 20817516.